The following is an entry in ClinVar:

ClinVar aggregate classification (germline): Likely benign. Review status: criteria provided, multiple submitters, no conflicts (2 of 4 stars). 3 submissions from 3 submitters: Likely benign (3). Last evaluated 2025-08-01.

Conditions:
Inborn genetic diseases. Identifiers: MedGen C0950123, MeSH D030342.
Fanconi anemia (FA). Also called: Fanconi's anemia. Identifiers: Orphanet 84, MedGen C0015625, MeSH D005199, MONDO:0019391.

Allele frequency attached by ClinVar (database versions not stated): gnomAD exomes below 0.00001; TOPMed below 0.00001; gnomAD 0.00001.

Submissions (3):

CeGaT Center for Human Genetics Tuebingen
Classification: Likely benign. Last evaluated: 2025-08-01. Review status: criteria provided, single submitter. Criteria: CeGaT Center For Human Genetics Tuebingen Variant Classification Criteria Version 2. Collection method: clinical testing. Allele origin: germline. Affected: yes. Observed: 1 variant allele.
Comment: FANCM: BP4, BP7

Ambry Genetics
Classification: Likely benign for Inborn genetic diseases. Last evaluated: 2024-12-22. Review status: criteria provided, single submitter. Criteria: Ambry Variant Classification Scheme 2023. Collection method: clinical testing. Allele origin: germline.

Labcorp Genetics (formerly Invitae), Labcorp
Classification: Likely benign for Fanconi anemia. Last evaluated: 2023-12-26. Review status: criteria provided, single submitter. Criteria: Invitae Variant Classification Sherloc (09022015). Collection method: clinical testing. Allele origin: germline.

NM_020937.4(FANCM):c.4449C>T (p.Asp1483=)

Gene: FANCM (FA complementation group M; plus strand). Cytogenetic location: 14q21.2.
Variant type: single nucleotide variant.
Coding change: c.4449C>T on transcript NM_020937.4 (MANE Select); coding-DNA position 4449, C replaced by T.
Protein change: p.Asp1483=; no amino-acid change (aspartic acid 1483 retained).
Molecular consequence: synonymous variant.
Genome position (GRCh38, 1-based): chr14:45,183,836, C>T. VCF-style: chr14-45183836-C-T. GRCh37 (hg19) VCF-style: chr14-45653039-C-T.
Other names: c.4371C>T, p.Asp1457= (NM_001308133.2); c.4449C>T (NM_020937.2).
Identifiers: ClinVar variation 1573968 (VCV001573968.17), dbSNP rs1889215868, ClinGen allele CA486141232.